The following is an entry in ClinVar:

ClinVar aggregate classification (germline): Uncertain significance (1 of 4 stars; one submission).

Conditions:
Epileptic encephalopathy. Identifiers: MedGen C0543888, HP:0200134.

Allele frequency attached by ClinVar (database versions not stated): TOPMed 0.00001; ExAC 0.00002; gnomAD exomes 0.00002.
gnomAD v4.1: 25 of 1,613,862 alleles (0.0015%); highest among the groups gnomAD compares: Non-Finnish European, 0.0018%; no homozygotes.

Submission:

Labcorp Genetics (formerly Invitae), Labcorp
Classification: Uncertain significance for Epileptic encephalopathy. Last evaluated: 2020-03-04. Review status: criteria provided, single submitter. Criteria: Invitae Variant Classification Sherloc (09022015). Collection method: clinical testing. Allele origin: germline.
Comment: In summary, the available evidence is currently insufficient to determine the role of this variant in disease. Therefore, it has been classified as a Variant of Uncertain Significance. Algorithms developed to predict the effect of missense changes on protein structure and function are either unavailable or do not agree on the potential impact of this missense change (SIFT: "Deleterious"; PolyPhen-2: "Probably Damaging"; Align-GVGD: "Class C0"). This variant has not been reported in the literature in individuals with RYR3-related conditions. This variant is present in population databases (rs377377472, ExAC 0.006%). This sequence change replaces arginine with tryptophan at codon 3350 of the RYR3 protein (p.Arg3350Trp). The arginine residue is highly conserved and there is a moderate physicochemical difference between arginine and tryptophan.

NM_001036.6(RYR3):c.10048C>T (p.Arg3350Trp)

Gene: RYR3 (ryanodine receptor 3; plus strand). Cytogenetic location: 15q14.
Variant type: single nucleotide variant.
Coding change: c.10048C>T on transcript NM_001036.6 (MANE Select); coding-DNA position 10048, C replaced by T.
Protein change: p.Arg3350Trp; replaces arginine 3350 with tryptophan.
Molecular consequence: missense variant.
Genome position (GRCh38, 1-based): chr15:33,810,500, C>T. VCF-style: chr15-33810500-C-T. GRCh37 (hg19) VCF-style: chr15-34102701-C-T.
Other names: c.10033C>T, p.Arg3345Trp (NM_001243996.4); short protein forms R3345W, R3350W.
Identifiers: ClinVar variation 937900 (VCV000937900.9), dbSNP rs377377472, ClinGen allele CA7460721.